The following is an entry in ClinVar:

NM_001365999.1(SZT2):c.5708A>T (p.Gln1903Leu)

Gene: SZT2 (SZT2 subunit of KICSTOR complex; plus strand). Cytogenetic location: 1p34.2.
Variant type: single nucleotide variant.
Coding change: c.5708A>T on transcript NM_001365999.1 (MANE Select); coding-DNA position 5708, A replaced by T.
Protein change: p.Gln1903Leu; replaces glutamine 1903 with leucine.
Molecular consequence: missense variant.
Genome position (GRCh38, 1-based): chr1:43,433,094, A>T. VCF-style: chr1-43433094-A-T. GRCh37 (hg19) VCF-style: chr1-43898765-A-T.
Other names: c.5537A>T, p.Gln1846Leu (NM_015284.4); short protein forms Q1846L, Q1903L.
Identifiers: ClinVar variation 1054058 (VCV001054058.7), dbSNP rs760226125, ClinGen allele CA809673.

ClinVar aggregate classification (germline): Uncertain significance (1 of 4 stars; one submission).

gnomAD v4.1: 23 of 1,614,020 alleles (0.0014%); highest among the groups gnomAD compares: Admixed American, 0.0033%; no homozygotes.

Submission:

Labcorp Genetics (formerly Invitae), Labcorp
Classification: Uncertain significance. Last evaluated: 2017-03-04. Review status: criteria provided, single submitter. Criteria: Invitae Variant Classification Sherloc (09022015). Collection method: clinical testing. Allele origin: germline.
Comment: This sequence change replaces glutamine with leucine at codon 1846 of the SZT2 protein (p.Gln1846Leu). The glutamine residue is highly conserved and there is a moderate physicochemical difference between glutamine and leucine. This variant is present in population databases (rs760226125, ExAC 0.001%) but has not been reported in the literature in individuals with a SZT2-related disease. Algorithms developed to predict the effect of missense changes on protein structure and function do not agree on the potential impact of this missense change (SIFT: "Deleterious"; PolyPhen-2: "Benign"; Align-GVGD: "Class C0"). In summary, this variant is a rare missense change with uncertain impact on protein function. There is no indication that it causes disease, but the available evidence is currently insufficient to prove that conclusively. Therefore, it has been classified as a Variant of Uncertain Significance.